The following is an entry in ClinVar:

NM_001375.3(DNASE2):c.385del (p.Val129fs)

Gene: DNASE2 (deoxyribonuclease 2, lysosomal; minus strand). Cytogenetic location: 19p13.13.
Variant type: Deletion.
Coding change: c.385del on transcript NM_001375.3 (MANE Select); coding-DNA position 385, one base deleted (G; older notation c.385delG).
Protein change: p.Val129fs; shifts the reading frame from valine 129.
Molecular consequence: frameshift variant.
Genome position (GRCh38, 1-based): chr19:12,878,796, C deleted on the plus strand (G on the coding strand, the reverse complement: DNASE2 is on the minus strand); the first of 2 consecutive C bases (chr19:12,878,796-12,878,797); deleting either gives the same sequence. VCF-style (leftmost placement, unchanged base first): chr19-12878795-AC-A. GRCh37 (hg19) VCF-style: chr19-12989609-AC-A.
Other names: short protein forms V129fs.
Identifiers: ClinVar variation 1507801 (VCV001507801.5), dbSNP rs1222106494, ClinGen allele CA783394258.
Genomic context (GRCh38, chr19:12,878,795, plus strand): 5'-CTATGAGGCCAGCTGTATGCAGCAGAGGAGGCCGGTGGAGGGAAGTTAGGTACACTGTGG[AC>A]CAGCCAGAAGCCCCCATCGTGGTCAAGGAGCAGGACACCTGGACCAAAAGAAGGCATTAG-3'

ClinVar aggregate classification (germline): Uncertain significance (1 of 4 stars; one submission).

Submission:

Labcorp Genetics (formerly Invitae), Labcorp
Classification: Uncertain significance. Last evaluated: 2024-10-21. Review status: criteria provided, single submitter. Criteria: Invitae Variant Classification Sherloc (09022015). Collection method: clinical testing. Allele origin: germline.
Comment: This sequence change creates a premature translational stop signal (p.Val129Serfs*46) in the DNASE2 gene. It is expected to result in an absent or disrupted protein product. However, the current clinical and genetic evidence is not sufficient to establish whether loss-of-function variants in DNASE2 cause disease. This variant is not present in population databases (gnomAD no frequency). This variant has not been reported in the literature in individuals affected with DNASE2-related conditions. ClinVar contains an entry for this variant (Variation ID: 1507801). In summary, the available evidence is currently insufficient to determine the role of this variant in disease. Therefore, it has been classified as a Variant of Uncertain Significance.